The following is an entry in ClinVar:

NM_022089.4(ATP13A2):c.2858C>T (p.Thr953Met)

Gene: ATP13A2 (ATPase cation transporting 13A2; minus strand). Cytogenetic location: 1p36.13.
Variant type: single nucleotide variant.
Coding change: c.2858C>T on transcript NM_022089.4 (MANE Select); coding-DNA position 2858, C replaced by T.
Protein change: p.Thr953Met; replaces threonine 953 with methionine.
Molecular consequence: missense variant.
Genome position (GRCh38, 1-based): chr1:16,988,139, G>A on the plus strand (C>T on the coding strand, the complement: ATP13A2 is on the minus strand). VCF-style: chr1-16988139-G-A. GRCh37 (hg19) VCF-style: chr1-17314634-G-A.
Other names: c.2858C>T (NM_022089.2); c.2843C>T, p.Thr948Met (NM_001141973.3); c.2726C>T, p.Thr909Met (NM_001141974.3); short protein forms T909M, T948M, T953M.
Identifiers: ClinVar variation 1412411 (VCV001412411.8), dbSNP rs148721722, ClinGen allele CA18627403.
Genomic context (GRCh38, chr1:16,988,139, plus strand): 5'-GCTGTGTCCCCTCCCTAGTCCTGGGACGGCTCTGGGTACGGAGCTCTGCAGATACTCACC[G>A]TGTAGAGGATCAGGACGGAGATGAACTGGGTCAGGCTGTACAGAGCCATGTACTTGAAGA-3'
Protein context (NP_071372.1, residues 943-963): TQFISVLILY[Thr953Met]INTNLGDLQF

ClinVar aggregate classification (germline): Uncertain significance. Review status: criteria provided, multiple submitters, no conflicts (2 of 4 stars). 3 submissions from 3 submitters: Uncertain significance (3). Last evaluated 2023-12-15.

Conditions:
Autosomal recessive spastic paraplegia type 78. Identifiers: Orphanet 513436, MedGen C5567893, MONDO:0014975, OMIM 617225.
Kufor-Rakeb syndrome (KRS). Also called: PARKINSON DISEASE 9, AUTOSOMAL RECESSIVE, JUVENILE-ONSET. Identifiers: Orphanet 306674, Orphanet 314632, MedGen C1847640, MONDO:0011706, OMIM 606693.
Inborn genetic diseases. Identifiers: MedGen C0950123, MeSH D030342.

gnomAD v4.1: 29 of 1,612,308 alleles (0.0018%); highest among the groups gnomAD compares: Admixed American, 0.01%; no homozygotes.

Submissions (3):

Ambry Genetics
Classification: Uncertain significance for Inborn genetic diseases. Last evaluated: 2023-12-15. Review status: criteria provided, single submitter. Criteria: Ambry Variant Classification Scheme 2023. Collection method: clinical testing. Allele origin: germline.

Fulgent Genetics
Classification: Uncertain significance for Kufor-Rakeb syndrome; Autosomal recessive spastic paraplegia type 78. Last evaluated: 2022-04-07. Review status: criteria provided, single submitter. Criteria: ACMG Guidelines, 2015. Collection method: clinical testing. Allele origin: unknown.

Labcorp Genetics (formerly Invitae), Labcorp
Classification: Uncertain significance for Kufor-Rakeb syndrome; Autosomal recessive spastic paraplegia type 78. Last evaluated: 2021-11-09. Review status: criteria provided, single submitter. Criteria: Invitae Variant Classification Sherloc (09022015). Collection method: clinical testing. Allele origin: germline.
Comment: This sequence change replaces threonine, which is neutral and polar, with methionine, which is neutral and non-polar, at codon 953 of the ATP13A2 protein (p.Thr953Met). This variant is present in population databases (no rsID available, gnomAD 0.005%). This variant has not been reported in the literature in individuals affected with ATP13A2-related conditions. Algorithms developed to predict the effect of missense changes on protein structure and function are either unavailable or do not agree on the potential impact of this missense change (SIFT: "Deleterious"; PolyPhen-2: "Probably Damaging"; Align-GVGD: "Class C0"). In summary, the available evidence is currently insufficient to determine the role of this variant in disease. Therefore, it has been classified as a Variant of Uncertain Significance.